The following is an entry in ClinVar:

ClinVar aggregate classification (germline): Uncertain significance (1 of 4 stars; one submission).

Conditions:
Alpha-methylacyl-CoA racemase deficiency (AMACRD). Also called: AMACR deficiency. Identifiers: Orphanet 79095, MedGen C3280428, MONDO:0013681, OMIM 614307. Disease mechanism: loss of function.

Submission:

Labcorp Genetics (formerly Invitae), Labcorp
Classification: Uncertain significance for Alpha-methylacyl-CoA racemase deficiency. Last evaluated: 2021-04-06. Review status: criteria provided, single submitter. Criteria: Invitae Variant Classification Sherloc (09022015). Collection method: clinical testing. Allele origin: germline.
Comment: This variant is not present in population databases (ExAC no frequency). In summary, the available evidence is currently insufficient to determine the role of this variant in disease. Therefore, it has been classified as a Variant of Uncertain Significance. Algorithms developed to predict the effect of missense changes on protein structure and function are either unavailable or do not agree on the potential impact of this missense change (SIFT: "Tolerated"; PolyPhen-2: "Probably Damaging"; Align-GVGD: "Class C0"). This variant has not been reported in the literature in individuals with AMACR-related conditions. This sequence change replaces glutamic acid with alanine at codon 141 of the AMACR protein (p.Glu141Ala). The glutamic acid residue is moderately conserved and there is a moderate physicochemical difference between glutamic acid and alanine.

NM_014324.6(AMACR):c.422A>C (p.Glu141Ala)

Genes: C1QTNF3-AMACR (C1QTNF3-AMACR readthrough (NMD candidate); minus strand), AMACR (alpha-methylacyl-CoA racemase; minus strand). Cytogenetic location: 5p13.2.
Variant type: single nucleotide variant.
Coding change: c.422A>C on transcript NM_014324.6 (MANE Select); coding-DNA position 422, A replaced by C.
Protein change: p.Glu141Ala; replaces glutamic acid 141 with alanine.
Molecular consequence: missense variant. On other transcripts: intron variant (1).
Genome position (GRCh38, 1-based): chr5:34,004,704, T>G on the plus strand (A>C on the coding strand, the complement: AMACR is on the minus strand). VCF-style: chr5-34004704-T-G. GRCh37 (hg19) VCF-style: chr5-34004809-T-G.
Other names: c.422A>C, p.Glu141Ala (NM_001167595.2); c.391+1052A>C (NM_203382.3); short protein forms E141A.
Identifiers: ClinVar variation 1465607 (VCV001465607.8), dbSNP rs2112070052, ClinGen allele CA359383403.